The following is an entry in ClinVar:

NM_002109.6(HARS1):c.50G>T (p.Arg17Leu)

Genes: HARS1 (histidyl-tRNA synthetase 1; minus strand), LOC129994848 (ATAC-STARR-seq lymphoblastoid active region 23285; plus strand). Cytogenetic location: 5q31.3.
Variant type: single nucleotide variant.
Coding change: c.50G>T on transcript NM_002109.6 (MANE Select); coding-DNA position 50, G replaced by T.
Protein change: p.Arg17Leu; replaces arginine 17 with leucine.
Molecular consequence: missense variant. On other transcripts: intron variant (1).
Genome position (GRCh38, 1-based): chr5:140,691,255, C>A on the plus strand (G>T on the coding strand, the complement: HARS1 is on the minus strand). VCF-style: chr5-140691255-C-A. GRCh37 (hg19) VCF-style: chr5-140070840-C-A.
Other names: c.50G>T, p.Arg17Leu (NM_001258040.3, NM_001258041.3, NM_001258042.3 and 2 more transcripts); c.3+47G>T (NM_001289094.2); short protein forms R17L.
Identifiers: ClinVar variation 3704661 (VCV003704661.2).

ClinVar aggregate classification (germline): Uncertain significance (1 of 4 stars; one submission).

Conditions:
Usher syndrome type 3B. Also called: USHER SYNDROME, TYPE IIIB. Identifiers: MedGen C3281066, MONDO:0013788, OMIM 614504.

Submission:

Labcorp Genetics (formerly Invitae), Labcorp
Classification: Uncertain significance for Usher syndrome type 3B. Last evaluated: 2024-09-11. Review status: criteria provided, single submitter. Criteria: Invitae Variant Classification Sherloc (09022015). Collection method: clinical testing. Allele origin: germline.
Comment: This sequence change replaces arginine, which is basic and polar, with leucine, which is neutral and non-polar, at codon 17 of the HARS protein (p.Arg17Leu). This variant is not present in population databases (gnomAD no frequency). This variant has not been reported in the literature in individuals affected with HARS-related conditions. An algorithm developed to predict the effect of missense changes on protein structure and function (PolyPhen-2) suggests that this variant is likely to be tolerated. In summary, the available evidence is currently insufficient to determine the role of this variant in disease. Therefore, it has been classified as a Variant of Uncertain Significance.